The following is an entry in ClinVar:

NM_000179.3(MSH6):c.3317A>G (p.Asp1106Gly)

Gene: MSH6 (mutS homolog 6; plus strand). Cytogenetic location: 2p16.3.
Variant type: single nucleotide variant.
Coding change: c.3317A>G on transcript NM_000179.3 (MANE Select); coding-DNA position 3317, A replaced by G.
Protein change: p.Asp1106Gly; replaces aspartic acid 1106 with glycine.
Molecular consequence: missense variant.
Genome position (GRCh38, 1-based): chr2:47,803,564, A>G. VCF-style: chr2-47803564-A-G. GRCh37 (hg19) VCF-style: chr2-48030703-A-G.
Other names: c.2927A>G, p.Asp976Gly (NM_001281492.2); c.2411A>G, p.Asp804Gly (NM_001281493.2, NM_001281494.2); short protein forms D976G, D1106G, D804G.
Identifiers: ClinVar variation 823572 (VCV000823572.15), dbSNP rs1189795764, ClinGen allele CA346758647.

ClinVar aggregate classification (germline): Uncertain significance. Review status: criteria provided, multiple submitters, no conflicts (2 of 4 stars). 2 submissions from 2 submitters: Uncertain significance (2). Last evaluated 2025-08-21.

Conditions:
Hereditary cancer-predisposing syndrome. Also called: Neoplastic Syndromes, Hereditary; Tumor predisposition; Hereditary neoplastic syndrome; Hereditary Cancer Syndrome. Identifiers: Orphanet 140162, MedGen C0027672, MeSH D009386, MONDO:0015356.
Hereditary nonpolyposis colorectal neoplasms. Identifiers: MedGen C0009405, MeSH D003123.

Submissions (2):

Ambry Genetics
Classification: Uncertain significance for Hereditary cancer-predisposing syndrome. Last evaluated: 2025-08-21. Review status: criteria provided, single submitter. Criteria: Ambry Variant Classification Scheme 2023. Collection method: clinical testing. Allele origin: germline.
Comment: The p.D1106G variant (also known as c.3317A>G), located in coding exon 5 of the MSH6 gene, results from an A to G substitution at nucleotide position 3317. The aspartic acid at codon 1106 is replaced by glycine, an amino acid with similar properties. This amino acid position is highly conserved in available vertebrate species. In addition, this alteration is predicted to be deleterious by in silico analysis. Based on the available evidence, the clinical significance of this variant remains unclear.

Labcorp Genetics (formerly Invitae), Labcorp
Classification: Uncertain significance for Hereditary nonpolyposis colorectal neoplasms. Last evaluated: 2023-09-04. Review status: criteria provided, single submitter. Criteria: Invitae Variant Classification Sherloc (09022015). Collection method: clinical testing. Allele origin: germline.
Comment: In summary, the available evidence is currently insufficient to determine the role of this variant in disease. Therefore, it has been classified as a Variant of Uncertain Significance. RNA analysis performed to evaluate the impact of this missense change on mRNA splicing indicates it does not significantly alter splicing (Invitae). Advanced modeling of protein sequence and biophysical properties (such as structural, functional, and spatial information, amino acid conservation, physicochemical variation, residue mobility, and thermodynamic stability) performed at Invitae indicates that this missense variant is not expected to disrupt MSH6 protein function. ClinVar contains an entry for this variant (Variation ID: 823572). This variant has not been reported in the literature in individuals affected with MSH6-related conditions. This variant is not present in population databases (gnomAD no frequency). This sequence change replaces aspartic acid, which is acidic and polar, with glycine, which is neutral and non-polar, at codon 1106 of the MSH6 protein (p.Asp1106Gly).